The following is an entry in ClinVar:

ClinVar aggregate classification (germline): Uncertain significance (1 of 4 stars; one submission).

Allele frequency attached by ClinVar (database versions not stated): TOPMed below 0.00001.

Submission:

Labcorp Genetics (formerly Invitae), Labcorp
Classification: Uncertain significance. Last evaluated: 2023-12-13. Review status: criteria provided, single submitter. Criteria: Invitae Variant Classification Sherloc (09022015). Collection method: clinical testing. Allele origin: germline.
Comment: This sequence change replaces aspartic acid, which is acidic and polar, with tyrosine, which is neutral and polar, at codon 45 of the MTMR14 protein (p.Asp45Tyr). The frequency data for this variant in the population databases is considered unreliable, as metrics indicate poor data quality at this position in the gnomAD database. This variant has not been reported in the literature in individuals affected with MTMR14-related conditions. Advanced modeling of protein sequence and biophysical properties (such as structural, functional, and spatial information, amino acid conservation, physicochemical variation, residue mobility, and thermodynamic stability) performed at Invitae indicates that this missense variant is not expected to disrupt MTMR14 protein function with a negative predictive value of 80%. In summary, the available evidence is currently insufficient to determine the role of this variant in disease. Therefore, it has been classified as a Variant of Uncertain Significance.

NM_001077525.3(MTMR14):c.133G>T (p.Asp45Tyr)

Gene: MTMR14 (myotubularin related protein 14; plus strand). Cytogenetic location: 3p25.3.
Variant type: single nucleotide variant.
Coding change: c.133G>T on transcript NM_001077525.3 (MANE Select); coding-DNA position 133, G replaced by T.
Protein change: p.Asp45Tyr; replaces aspartic acid 45 with tyrosine.
Molecular consequence: missense variant. On other transcripts: 5 prime UTR variant (23), non-coding transcript variant (9).
Genome position (GRCh38, 1-based): chr3:9,649,716, G>T. VCF-style: chr3-9649716-G-T. GRCh37 (hg19) VCF-style: chr3-9691400-G-T.
Other names: c.133G>T, p.Asp45Tyr (NM_001077526.3, NM_001400519.1, NM_001400520.1 and 9 more transcripts); c.-1G>T (NM_001400518.1, NM_001400521.1, NM_001400525.1 and 4 more transcripts); c.-373G>T (NM_001400533.1, NM_001400539.1, NM_001400545.1); c.-434G>T (NM_001400534.1, NM_001400538.1, NM_001400541.1 and 2 more transcripts); c.-224G>T (NM_001400535.1); c.-401G>T (NM_001400540.1); c.-636G>T (NM_001400542.1); c.-195G>T (NM_001400543.1); and 4 more; short protein forms D45Y.
Identifiers: ClinVar variation 2974729 (VCV002974729.1), dbSNP rs1172719911, ClinGen allele CA351803883.
Genomic context (GRCh38, chr3:9,649,716, plus strand): 5'-CAGGAGCTGGGGCTTGGGGAGCTGCTGGAGGAGTTCTCCCGGACTCAGTACCGGGCCAAG[G>T]ATGGCAGCGGGACCGGCGGCTCTAAGGTGAGATTGGAGGTGCGATGAGCTGGGGAAGGCT-3'
Protein context (NP_001070993.1, residues 35-55): EFSRTQYRAK[Asp45Tyr]GSGTGGSKVE